The following is an entry in ClinVar:

ClinVar aggregate classification (germline): Conflicting classifications of pathogenicity. Review status: criteria provided, conflicting classifications (1 of 4 stars). 7 submissions from 7 submitters: Uncertain significance (1); Likely benign (4). 2 of the submissions do not count toward it. Last evaluated 2026-01-27.

Conditions:
Chédiak-Higashi syndrome (CHS). Also called: Chediak-Higashi Syndrome. Identifiers: Orphanet 167, MedGen C0007965, MONDO:0008963, OMIM 214500.

Allele frequency attached by ClinVar (database versions not stated): 1000 Genomes Project 30x 0.00016; ExAC 0.00018; gnomAD exomes 0.00018 and 0.00045; TOPMed 0.00018; gnomAD 0.00021; ESP Exome Variant Server 0.00031.
gnomAD v4.1: 643 of 1,547,788 alleles (0.042%); highest among the groups gnomAD compares: Non-Finnish European, 0.056%; no homozygotes.

Submissions (7):

Labcorp Genetics (formerly Invitae), Labcorp
Classification: Likely benign for Chédiak-Higashi syndrome. Last evaluated: 2026-01-27. Review status: criteria provided, single submitter. Criteria: Invitae Variant Classification Sherloc (09022015). Collection method: clinical testing. Allele origin: germline.

Mayo Clinic Laboratories, Mayo Clinic
Classification: Likely benign. Last evaluated: 2025-07-23. Review status: criteria provided, single submitter. Criteria: ACMG Guidelines, 2015. Collection method: clinical testing. Allele origin: germline. Observed: 3 variant alleles.
Comment: BP4, BP7

Women's Health and Genetics/Laboratory Corporation of America, LabCorp
Classification: Likely benign. Last evaluated: 2025-04-23. Review status: criteria provided, single submitter. Criteria: LabCorp Variant Classification Summary - May 2015. Collection method: clinical testing. Allele origin: germline.

Blueprint Genetics
Classification: Likely benign. Last evaluated: 2024-05-23. Review status: criteria provided, single submitter. Criteria: ACMG Guidelines, 2015. Collection method: clinical testing. Allele origin: germline.

Illumina Laboratory Services, Illumina
Classification: Uncertain significance for Chédiak-Higashi syndrome. Last evaluated: 2018-02-09. Review status: criteria provided, single submitter. Criteria: ICSL Variant Classification Criteria 13 December 2019. Collection method: clinical testing. Allele origin: germline.

Clinical Genetics DNA and cytogenetics Diagnostics Lab, Erasmus MC, Erasmus Medical Center
Classification: Likely benign. Review status: no assertion criteria provided. Collection method: clinical testing. Allele origin: germline. Affected: yes. Study: VKGL Data-share Consensus. Not counted in ClinVar's aggregate classification.

Genome Diagnostics Laboratory, University Medical Center Utrecht
Classification: Likely benign. Review status: no assertion criteria provided. Collection method: clinical testing. Allele origin: germline. Affected: yes. Study: VKGL Data-share Consensus. Not counted in ClinVar's aggregate classification.

NM_000081.4(LYST):c.4006+8G>A

Gene: LYST (lysosomal trafficking regulator; minus strand). Cytogenetic location: 1q42.3.
Variant type: single nucleotide variant.
Coding change: c.4006+8G>A on transcript NM_000081.4 (MANE Select); 8 bases into the intron after coding-DNA position 4006, G replaced by A.
Molecular consequence: intron variant.
Genome position (GRCh38, 1-based): chr1:235,800,312, C>T on the plus strand (G>A on the coding strand, the complement: LYST is on the minus strand). VCF-style: chr1-235800312-C-T. GRCh37 (hg19) VCF-style: chr1-235963612-C-T.
Other names: p.?; c.4006+8G>A (NM_001301365.1).
Identifiers: ClinVar variation 706553 (VCV000706553.22), dbSNP rs369153654, ClinGen allele CA1466947.